The following is an entry in ClinVar:

ClinVar aggregate classification (germline): Pathogenic/Likely pathogenic. Review status: criteria provided, multiple submitters, no conflicts (2 of 4 stars). 8 submissions from 8 submitters: Pathogenic (5); Likely pathogenic (3). Last evaluated 2026-08-26.

Conditions:
Hermansky-Pudlak syndrome 1 (HPS1). Also called: DELTA STORAGE POOL DISEASE. Identifiers: Orphanet 231500, Orphanet 79430, MedGen C2931875, MONDO:0008748, OMIM 203300.
Hermansky-Pudlak syndrome (HPS). Also called: ALBINISM WITH HEMORRHAGIC DIATHESIS AND PIGMENTED RETICULOENDOTHELIAL CELLS. Identifiers: Orphanet 79430, MedGen C0079504, MONDO:0019312.

Allele frequency attached by ClinVar (database versions not stated): gnomAD exomes below 0.00001; TOPMed below 0.00001.

Submissions (8):

Myriad Genetics, Inc.
Classification: Pathogenic for Hermansky-Pudlak syndrome 1. Last evaluated: 2026-08-26. Review status: criteria provided, single submitter. Criteria: Myriad Autosomal Dominant, Autosomal Recessive and X-Linked Classification Criteria (2023). Collection method: clinical testing. Allele origin: unknown.
Comment: NM_000195.3(HPS1):c.1932delC(Y645Tfs*80) is a readthrough frameshift variant classified as pathogenic in the context of Hermansky-Pudlak syndrome, HPS1-related. Y645Tfs*80 has been observed in cases with relevant disease (PMID: 30387913, 34838614, 19665357, 32725903, 33878481). Relevant functional assessments of this variant are not available in the literature. Y645Tfs*80 has been observed in referenced population frequency databases. In summary, NM_000195.3(HPS1):c.1932delC(Y645Tfs*80) is a readthrough frameshift variant in a gene where loss of function is a known mechanism of disease, is predicted to disrupt protein function, and has been observed more frequently in cases with the relevant disease than in healthy populations. Please note: this variant was assessed in the context of healthy population screening.

Natera, Inc.
Classification: Pathogenic for Hermansky-Pudlak syndrome. Last evaluated: 2025-06-06. Review status: criteria provided, single submitter. Criteria: Natera Variant Classification Schema (03/2026). Collection method: clinical testing. Allele origin: germline.
Comment: The c.1932delC variant in HPS1 is a frameshift variant predicted to elongate the protein beyond the termination codon. This variant is expected to result in nonsense mediated decay, truncation, or a dysfunctional protein product. This variant is rare in the general population with a frequency below the threshold expected for the associated phenotype(s). This variant has been observed in one or more individuals affected with the associated recessive disease, as either homozygous or compound heterozygous with a second variant (PMID: 33878481, 32725903, 30387913, 19665357). Given the available evidence, this variant is classified as Pathogenic.

Fulgent Genetics
Classification: Pathogenic for Hermansky-Pudlak syndrome 1. Last evaluated: 2024-01-29. Review status: criteria provided, single submitter. Criteria: ACMG Guidelines, 2015. Collection method: clinical testing. Allele origin: germline.

Baylor Genetics
Classification: Pathogenic for Hermansky-Pudlak syndrome 1. Last evaluated: 2023-10-24. Review status: criteria provided, single submitter. Criteria: ACMG Guidelines, 2015. Collection method: clinical testing. Allele origin: unknown.

Labcorp Genetics (formerly Invitae), Labcorp
Classification: Pathogenic. Last evaluated: 2023-06-17. Review status: criteria provided, single submitter. Criteria: Invitae Variant Classification Sherloc (09022015). Collection method: clinical testing. Allele origin: germline.
Comment: This sequence change results in a frameshift in the HPS1 gene (p.Tyr645Thrfs*80). While this is not anticipated to result in nonsense mediated decay, it is expected to disrupt the last 56 amino acid(s) of the HPS1 protein and extend the protein by 23 additional amino acid residues. For these reasons, this variant has been classified as Pathogenic. ClinVar contains an entry for this variant (Variation ID: 962245). This frameshift has been observed in individual(s) with Hermansky-Pudlak syndrome (PMID: 19665357, 30387913, 32725903, 33878481). In at least one individual the data is consistent with being in trans (on the opposite chromosome) from a pathogenic variant. This variant is present in population databases (no rsID available, gnomAD 0.006%).

Broad Center for Mendelian Genomics, Broad Institute of MIT and Harvard
Classification: Likely pathogenic for Hermansky-Pudlak syndrome. Last evaluated: 2021-11-29. Review status: criteria provided, single submitter. Criteria: ACMG Guidelines, 2015. Collection method: curation. Allele origin: germline. Inheritance: Autosomal recessive inheritance.
Comment: The p.Tyr645fs variant in HPS1 has been reported in 3 individuals with Hermansky-Pudlak syndrome (PMID: 19665357, 30387913, 33878481), and has been identified in 0.005% (1/18292) of East Asian chromosomes by the Genome Aggregation Database (gnomAD; dbSNP ID: rs1239621485). Although this variant has been seen in the general population in a heterozygous state, its frequency is low enough to be consistent with a recessive carrier frequency. Of the 3 affected individuals, 1 of those was a homozygote and 2 were compound heterozygotes that carried a likely pathogenic variant in trans, which increases the likelihood that the p.Tyr645fs variant is pathogenic (ClinVar ID: 996364; PMID: 19665357, 30387913, 33878481). This variant has also been reported in ClinVar (Variation ID#: 962245) and has been interpreted as likely pathogenic by Invitae and Women's Health and Genetics (Laboratory Corporation of America, LabCorp). This variant is predicted to cause a frameshift, which alters the protein’s amino acid sequence beginning at position 645 and leads to a premature termination codon 80 amino acids downstream. This termination codon occurs within the last exon and is more likely to escape nonsense mediated decay (NMD) and result in a truncated protein. Loss of function of the HPS1 gene is an established disease mechanism in autosomal recessive Hermansky-Pudlak syndrome. In summary, although additional studies are required to fully establish its clinical significance, this variant is likely pathogenic for autosomal recessive Hermansky-Pudlak syndrome. ACMG/AMP Criteria applied: PVS1_moderate, PM2_supporting, PM3_strong (Richards 2015).

Women's Health and Genetics/Laboratory Corporation of America, LabCorp
Classification: Likely pathogenic for Hermansky-Pudlak syndrome. Last evaluated: 2020-10-09. Review status: criteria provided, single submitter. Criteria: LabCorp Variant Classification Summary - May 2015. Collection method: clinical testing. Allele origin: germline.
Comment: Variant summary: HPS1 c.1932delC (p.Tyr645ThrfsX80) causes a frameshift which results in an extension of the protein. The variant allele was found at a frequency of 4e-06 in 248374 control chromosomes. c.1932delC has been reported in the literature in at-least two individuals, one homozygous and the second compound heterozygous, both affected with Hermansky-Pudlak Syndrome (example, Wei_2009, Wei_2018). The authors reported no bleeding diathesis despite the presence of oculocutaneous albinism in one of these patients, alluding to a slightly ameliorated phenotype due to the nature of the predicted extended protein product (Wei_2009). These data indicate that the variant may be associated with disease. To our knowledge, no experimental evidence demonstrating an impact on protein function has been reported. One clinical diagnostic laboratory has submitted clinical-significance assessments for this variant to ClinVar after 2014 and classified the variant as likely pathogenic citing overlapping evidence utilized in the context of this evaluation. Based on the evidence outlined above, the variant was classified as likely pathogenic.

Juno Genomics, Hangzhou Juno Genomics, Inc
Classification: Likely pathogenic for Hermansky-Pudlak syndrome 1. Review status: criteria provided, single submitter. Criteria: ACMG Guidelines, 2015. Collection method: clinical testing. Allele origin: germline.
Comment: Absent from controls (or at extremely low frequency if recessive) in Genome Aggregation Database.;Null variant in a gene where loss of function (LOF) is a known mechanism of disease.;For recessive disorders, detected in trans with a pathogenic variant.;Patient's phenotype or family history is highly specific for a disease with a single genetic etiology.

Literature cited by the submitters: PubMed 19665357 (cited by 4 submitters); PubMed 30387913 (cited by 4 submitters); PubMed 32725903 (cited by 3 submitters); PubMed 33878481 (cited by 3 submitters); PubMed 34838614 (cited by Myriad Genetics, Inc.).

NM_000195.5(HPS1):c.1932del (p.Tyr645fs)

Gene: HPS1 (HPS1 biogenesis of lysosomal organelles complex 3 subunit 1; minus strand). Cytogenetic location: 10q24.2.
Variant type: Deletion.
Coding change: c.1932del on transcript NM_000195.5 (MANE Select); coding-DNA position 1932, one base deleted (C; older notation c.1932delC).
Protein change: p.Tyr645fs; shifts the reading frame from tyrosine 645.
Molecular consequence: frameshift variant.
Genome position (GRCh38, 1-based): chr10:98,418,183, G deleted on the plus strand (C on the coding strand, the reverse complement: HPS1 is on the minus strand). VCF-style (leftmost placement, unchanged base first): chr10-98418182-AG-A. GRCh37 (hg19) VCF-style: chr10-100177939-AG-A.
Other names: NM_000195.5(HPS1):c.1932del; p.Tyr645fs; c.1932delC (NM_000195.4); c.960del, p.Tyr321fs (NM_001311345.2, NM_001322487.2, NM_001322489.2); c.1932del, p.Tyr645fs (NM_001322476.2, NM_001322477.2); c.1833del, p.Tyr612fs (NM_001322478.2, NM_001322479.2); c.1671del, p.Tyr558fs (NM_001322480.2, NM_001322481.2); c.1572del, p.Tyr525fs (NM_001322482.2); and 2 more; short protein forms Y558fs, Y612fs, Y645fs, Y525fs, Y321fs, Y489fs, Y522fs.
Identifiers: ClinVar variation 962245 (VCV000962245.19), dbSNP rs1239621485, ClinGen allele CA595430829.